The following is an entry in ClinVar:

ClinVar aggregate classification (germline): Benign/Likely benign. Review status: criteria provided, multiple submitters, no conflicts (2 of 4 stars). 4 submissions from 4 submitters: Benign (3); Likely benign (1). Last evaluated 2025-11-21.

Allele frequency attached by ClinVar (database versions not stated): gnomAD exomes 0.00018 and 0.00051; ExAC 0.00067; 1000 Genomes Project 0.00180; 1000 Genomes Project 30x 0.00187; gnomAD 0.00216 and 0.00232; TOPMed 0.00226; ESP Exome Variant Server 0.00246.
gnomAD v4.1: 604 of 1,609,644 alleles (0.038%); highest among the groups gnomAD compares: African/African-American, 0.72%; 3 homozygotes.

Submissions (4):

Labcorp Genetics (formerly Invitae), Labcorp
Classification: Benign. Last evaluated: 2025-11-21. Review status: criteria provided, single submitter. Criteria: Invitae Variant Classification Sherloc (09022015). Collection method: clinical testing. Allele origin: germline.

Mayo Clinic Laboratories, Mayo Clinic
Classification: Benign. Last evaluated: 2025-09-05. Review status: criteria provided, single submitter. Criteria: ACMG Guidelines, 2015. Collection method: clinical testing. Allele origin: germline. Observed: 1 variant allele.
Comment: BS1, BS2, BP4, BP7

Blueprint Genetics
Classification: Likely benign. Last evaluated: 2024-10-22. Review status: criteria provided, single submitter. Criteria: ACMG Guidelines, 2015. Collection method: clinical testing. Allele origin: germline.

Breakthrough Genomics
Classification: Benign. Review status: criteria provided, single submitter. Criteria: ACMG Guidelines, 2015. Collection method: not provided. Allele origin: germline. Inheritance: Autosomal dominant inheritance. Affected: yes.

NM_198334.3(GANAB):c.1815C>T (p.Phe605=)

Gene: GANAB (glucosidase II alpha subunit; minus strand). Cytogenetic location: 11q12.3.
Variant type: single nucleotide variant.
Coding change: c.1815C>T on transcript NM_198334.3 (MANE Select); coding-DNA position 1815, C replaced by T.
Protein change: p.Phe605=; no amino-acid change (phenylalanine 605 retained).
Molecular consequence: synonymous variant.
Genome position (GRCh38, 1-based): chr11:62,629,607, G>A on the plus strand (C>T on the coding strand, the complement: GANAB is on the minus strand). VCF-style: chr11-62629607-G-A. GRCh37 (hg19) VCF-style: chr11-62397079-G-A.
Other names: p.Phe627=; c.1539C>T, p.Phe513= (NM_001278192.2); c.1473C>T, p.Phe491= (NM_001278193.2); c.1524C>T, p.Phe508= (NM_001278194.2, NM_001329222.2, NM_001329223.2); c.1092C>T, p.Phe364= (NM_001329224.2, NM_001329225.2); c.1881C>T, p.Phe627= (NM_198335.4).
Identifiers: ClinVar variation 1625424 (VCV001625424.11), dbSNP rs77092080, ClinGen allele CA6050668.